The following is an entry in ClinVar:

NM_006859.4(LIAS):c.391A>G (p.Met131Val)

Gene: LIAS (lipoic acid synthetase; plus strand). Cytogenetic location: 4p14.
Variant type: single nucleotide variant.
Coding change: c.391A>G on transcript NM_006859.4 (MANE Select); coding-DNA position 391, A replaced by G.
Protein change: p.Met131Val; replaces methionine 131 with valine.
Molecular consequence: missense variant. On other transcripts: synonymous variant (2).
Genome position (GRCh38, 1-based): chr4:39,463,603, A>G. VCF-style: chr4-39463603-A-G. GRCh37 (hg19) VCF-style: chr4-39465223-A-G.
Other names: c.391A>G, p.Met131Val (NM_001278590.2, NM_001278591.2, NM_194451.3); c.297A>G, p.Ser99= (NM_001278592.2, NM_001363700.2); short protein forms M131V.
Identifiers: ClinVar variation 1045017 (VCV001045017.8), dbSNP rs1744633174, ClinGen allele CA356664314.

ClinVar aggregate classification (germline): Uncertain significance (1 of 4 stars; one submission).

Conditions:
Lipoic acid synthetase deficiency. Also called: HYPERGLYCINEMIA, LACTIC ACIDOSIS, AND SEIZURES. Identifiers: Orphanet 401859, MedGen C3280887, MONDO:0013762, OMIM 614462.

Submission:

Labcorp Genetics (formerly Invitae), Labcorp
Classification: Uncertain significance for Lipoic acid synthetase deficiency. Last evaluated: 2020-03-05. Review status: criteria provided, single submitter. Criteria: Invitae Variant Classification Sherloc (09022015). Collection method: clinical testing. Allele origin: germline.
Comment: In summary, the available evidence is currently insufficient to determine the role of this variant in disease. Therefore, it has been classified as a Variant of Uncertain Significance. Algorithms developed to predict the effect of missense changes on protein structure and function are either unavailable or do not agree on the potential impact of this missense change (SIFT: "Deleterious"; PolyPhen-2: "Probably Damaging"; Align-GVGD: "Class C0"). This variant has not been reported in the literature in individuals with LIAS-related conditions. This variant is not present in population databases (ExAC no frequency). This sequence change replaces methionine with valine at codon 131 of the LIAS protein (p.Met131Val). The methionine residue is highly conserved and there is a small physicochemical difference between methionine and valine.